The following is an entry in ClinVar:

NM_000237.3(LPL):c.949A>T (p.Ile317Phe)

Gene: LPL (lipoprotein lipase; plus strand). Cytogenetic location: 8p21.3.
Variant type: single nucleotide variant.
Coding change: c.949A>T on transcript NM_000237.3 (MANE Select); coding-DNA position 949, A replaced by T.
Protein change: p.Ile317Phe; replaces isoleucine 317 with phenylalanine.
Molecular consequence: missense variant.
Genome position (GRCh38, 1-based): chr8:19,956,014, A>T. VCF-style: chr8-19956014-A-T. GRCh37 (hg19) VCF-style: chr8-19813525-A-T.
Other names: short protein forms I317F.
Identifiers: ClinVar variation 1767136 (VCV001767136.3), dbSNP rs1410146792, ClinGen allele CA370469313.

ClinVar aggregate classification (germline): Uncertain significance. Review status: criteria provided, multiple submitters, no conflicts (2 of 4 stars). 2 submissions from 2 submitters: Uncertain significance (2). Last evaluated 2025-12-21.

Conditions:
Cardiovascular phenotype. Identifiers: MedGen CN230736.

gnomAD v4.1: 1 of 1,614,194 alleles (0.000062%); highest among the groups gnomAD compares: Non-Finnish European, 0.000085%; no homozygotes.

Submissions (2):

Labcorp Genetics (formerly Invitae), Labcorp
Classification: Uncertain significance. Last evaluated: 2025-12-21. Review status: criteria provided, single submitter. Criteria: Invitae Variant Classification Sherloc (09022015). Collection method: clinical testing. Allele origin: germline.
Comment: This sequence change replaces isoleucine, which is neutral and non-polar, with phenylalanine, which is neutral and non-polar, at codon 317 of the LPL protein (p.Ile317Phe). This variant is not present in population databases (gnomAD no frequency). This variant has not been reported in the literature in individuals affected with LPL-related conditions. ClinVar contains an entry for this variant (Variation ID: 1767136). Invitae Evidence Modeling of protein sequence and biophysical properties (such as structural, functional, and spatial information, amino acid conservation, physicochemical variation, residue mobility, and thermodynamic stability) indicates that this missense variant is not expected to disrupt LPL protein function with a negative predictive value of 80%. In summary, the available evidence is currently insufficient to determine the role of this variant in disease. Therefore, it has been classified as a Variant of Uncertain Significance.

Ambry Genetics
Classification: Uncertain significance for Cardiovascular phenotype. Last evaluated: 2020-10-30. Review status: criteria provided, single submitter. Criteria: Ambry Variant Classification Scheme 2023. Collection method: clinical testing. Allele origin: germline.
Comment: The p.I317F variant (also known as c.949A>T), located in coding exon 6 of the LPL gene, results from an A to T substitution at nucleotide position 949. The isoleucine at codon 317 is replaced by phenylalanine, an amino acid with highly similar properties. This amino acid position is not well conserved in available vertebrate species. In addition, the in silico prediction for this alteration is inconclusive. Since supporting evidence is limited at this time, the clinical significance of this alteration remains unclear.